The following is an entry in ClinVar:

ClinVar aggregate classification (germline): Pathogenic (1 of 4 stars; one submission).

Conditions:
Hereditary cancer-predisposing syndrome. Also called: Neoplastic Syndromes, Hereditary; Tumor predisposition; Hereditary neoplastic syndrome; Hereditary Cancer Syndrome. Identifiers: Orphanet 140162, MedGen C0027672, MeSH D009386, MONDO:0015356.

Submission:

Ambry Genetics
Classification: Pathogenic for Hereditary cancer-predisposing syndrome. Last evaluated: 2026-02-02. Review status: criteria provided, single submitter. Criteria: Ambry Variant Classification Scheme 2023. Collection method: clinical testing. Allele origin: germline.
Comment: The c.1312+2T>C intronic pathogenic mutation results from a T to C substitution two nucleotides after coding exon 9 in the APC gene. This nucleotide position is highly conserved in available vertebrate species. This variant was reported in individual(s) with features consistent with familial adenomatous polyposis (Friedl W and Aretz S. Hered Cancer Clin Pract 2005;3(3):95-114; Ambry internal data). This variant is considered to be rare based on population cohorts in the Genome Aggregation Database (gnomAD). This nucleotide position is highly conserved in available vertebrate species. In silico splice site analysis predicts that this alteration will weaken the native splice donor site. Variants that disrupt the canonical splice site are expected to cause aberrant splicing, resulting in an abnormal protein or a transcript that is subject to nonsense-mediated mRNA decay. As such, this variant is classified as a disease-causing mutation.

Literature cited by the submitters: PubMed 20223039.

NM_000038.6(APC):c.1312+2T>C

Gene: APC (APC regulator of Wnt signaling pathway; plus strand). Cytogenetic location: 5q22.2.
Variant type: single nucleotide variant.
Coding change: c.1312+2T>C on transcript NM_000038.6 (MANE Select); the canonical splice donor site of the intron after coding-DNA position 1312, T replaced by C.
Molecular consequence: splice donor variant.
Genome position (GRCh38, 1-based): chr5:112,819,346, T>C. VCF-style: chr5-112819346-T-C. GRCh37 (hg19) VCF-style: chr5-112155043-T-C.
Other names: c.463+2T>C (NM_001407470.1, NM_001354906.2); c.160+2T>C (NM_001407472.1, NM_001407471.1); c.1312+2T>C (NM_001407447.1, NM_001354895.2, NM_001407448.1 and 4 more transcripts); c.1009+2T>C (NM_001407456.1, NM_001407460.1, NM_001407457.1 and 5 more transcripts); c.1228+2T>C (NM_001407452.1, NM_001354899.2); c.925+2T>C (NM_001407469.1, NM_001407467.1); c.1342+2T>C (NM_001407446.1, NM_001354897.2); c.1039+2T>C (NM_001354902.2); and 5 more.
Identifiers: ClinVar variation 428138 (VCV000428138.6), dbSNP rs1114167579, ClinGen allele CA360619194.